The following is an entry in ClinVar:

NM_199420.4(POLQ):c.5500C>A (p.Gln1834Lys)

Gene: POLQ (DNA polymerase theta; minus strand). Cytogenetic location: 3q13.33.
Variant type: single nucleotide variant.
Coding change: c.5500C>A on transcript NM_199420.4 (MANE Select); coding-DNA position 5500, C replaced by A.
Protein change: p.Gln1834Lys; replaces glutamine 1834 with lysine.
Molecular consequence: missense variant.
Genome position (GRCh38, 1-based): chr3:121,487,431, G>T on the plus strand (C>A on the coding strand, the complement: POLQ is on the minus strand). VCF-style: chr3-121487431-G-T. GRCh37 (hg19) VCF-style: chr3-121206278-G-T.
Other names: short protein forms Q1834K.
Identifiers: ClinVar variation 1747980 (VCV001747980.3), dbSNP rs1181375042, ClinGen allele CA354090045.

ClinVar aggregate classification (germline): Uncertain significance (1 of 4 stars; one submission).

gnomAD v4.1: 1 of 1,613,914 alleles (0.000062%); highest among the groups gnomAD compares: East Asian, 0.0022%; no homozygotes.

Submission:

Ambry Genetics
Classification: Uncertain significance. Last evaluated: 2024-09-08. Review status: criteria provided, single submitter. Criteria: Ambry Variant Classification Scheme 2023. Collection method: clinical testing. Allele origin: germline.
Comment: The p.Q1834K variant (also known as c.5500C>A), located in coding exon 16 of the POLQ gene, results from a C to A substitution at nucleotide position 5500. The glutamine at codon 1834 is replaced by lysine, an amino acid with similar properties. This amino acid position is conserved. In addition, this alteration is predicted to be tolerated by in silico analysis. Since supporting evidence is limited at this time, the clinical significance of this alteration remains unclear.